The following is an entry in ClinVar:

NM_015135.3(NUP205):c.4982G>A (p.Arg1661His)

Gene: NUP205 (nucleoporin 205; plus strand). Cytogenetic location: 7q33.
Variant type: single nucleotide variant.
Coding change: c.4982G>A on transcript NM_015135.3 (MANE Select); coding-DNA position 4982, G replaced by A.
Protein change: p.Arg1661His; replaces arginine 1661 with histidine.
Molecular consequence: missense variant.
Genome position (GRCh38, 1-based): chr7:135,630,393, G>A. VCF-style: chr7-135630393-G-A. GRCh37 (hg19) VCF-style: chr7-135315141-G-A.
Other names: c.3908G>A, p.Arg1303His (NM_001329434.2); c.4982G>A (NM_015135.2); short protein forms R1303H, R1661H.
Identifiers: ClinVar variation 2162219 (VCV002162219.7), dbSNP rs200236485, ClinGen allele CA4499047.

ClinVar aggregate classification (germline): Uncertain significance. Review status: criteria provided, multiple submitters, no conflicts (2 of 4 stars). 3 submissions from 3 submitters: Uncertain significance (3). Last evaluated 2025-11-26.

Allele frequency attached by ClinVar (database versions not stated): ESP Exome Variant Server 0.00008; TOPMed 0.00008; ExAC 0.00009; gnomAD 0.00009; gnomAD exomes 0.00015.
gnomAD v4.1: 229 of 1,608,950 alleles (0.014%); highest among the groups gnomAD compares: Non-Finnish European, 0.018%; no homozygotes.

Submissions (3):

Ambry Genetics
Classification: Uncertain significance. Last evaluated: 2025-11-26. Review status: criteria provided, single submitter. Criteria: Ambry Variant Classification Scheme 2023. Collection method: clinical testing. Allele origin: germline.

Labcorp Genetics (formerly Invitae), Labcorp
Classification: Uncertain significance. Last evaluated: 2025-08-18. Review status: criteria provided, single submitter. Criteria: Invitae Variant Classification Sherloc (09022015). Collection method: clinical testing. Allele origin: germline.
Comment: This sequence change replaces arginine, which is basic and polar, with histidine, which is basic and polar, at codon 1661 of the NUP205 protein (p.Arg1661His). This variant is present in population databases (rs200236485, gnomAD 0.01%). This variant has not been reported in the literature in individuals affected with NUP205-related conditions. ClinVar contains an entry for this variant (Variation ID: 2162219). Invitae Evidence Modeling of protein sequence and biophysical properties (such as structural, functional, and spatial information, amino acid conservation, physicochemical variation, residue mobility, and thermodynamic stability) indicates that this missense variant is not expected to disrupt NUP205 protein function with a negative predictive value of 80%. In summary, the available evidence is currently insufficient to determine the role of this variant in disease. Therefore, it has been classified as a Variant of Uncertain Significance.

Blueprint Genetics
Classification: Uncertain significance. Last evaluated: 2023-05-05. Review status: criteria provided, single submitter. Criteria: ACMG Guidelines, 2015. Collection method: clinical testing. Allele origin: germline.